The following is an entry in ClinVar:

NM_000257.4(MYH7):c.2711G>C (p.Arg904Pro)

Gene: MYH7 (myosin heavy chain 7; minus strand). Cytogenetic location: 14q11.2.
Variant type: single nucleotide variant.
Coding change: c.2711G>C on transcript NM_000257.4 (MANE Select); coding-DNA position 2711, G replaced by C.
Protein change: p.Arg904Pro; replaces arginine 904 with proline.
Molecular consequence: missense variant.
Genome position (GRCh38, 1-based): chr14:23,424,118, C>G on the plus strand (G>C on the coding strand, the complement: MYH7 is on the minus strand). VCF-style: chr14-23424118-C-G. GRCh37 (hg19) VCF-style: chr14-23893327-C-G.
Other names: short protein forms R904P.
Identifiers: ClinVar variation 454361 (VCV000454361.10), dbSNP rs397516165, ClinGen allele CA257819011.
Genomic context (GRCh38, chr14:23,424,118, plus strand): 5'-TCGTTCATCTCCTTCACCTTGGCCTCCAGCTGAATCTTGTTTTTGATCAGCTGATCACAG[C>G]GCTCCTCAGCATCTGCCAGGTTGTCTTGTTCCTGAAGGTGAGGAACAGAGGGGAGGCTGT-3'
Protein context (NP_000248.2, residues 894-914): EQDNLADAEE[Arg904Pro]CDQLIKNKIQ

ClinVar aggregate classification (germline): Pathogenic/Likely pathogenic. Review status: criteria provided, multiple submitters, no conflicts (2 of 4 stars). 2 submissions from 2 submitters: Pathogenic (1); Likely pathogenic (1). Last evaluated 2020-09-14.

Conditions:
Cardiovascular phenotype. Identifiers: MedGen CN230736.
Hypertrophic cardiomyopathy. Also called: HYPERTROPHIC MYOCARDIOPATHY. Identifiers: Orphanet 217569, MedGen C0007194, MeSH D002312, MONDO:0005045, HP:0001639.

Submissions (2):

Labcorp Genetics (formerly Invitae), Labcorp
Classification: Pathogenic for Hypertrophic cardiomyopathy. Last evaluated: 2020-09-14. Review status: criteria provided, single submitter. Criteria: Invitae Variant Classification Sherloc (09022015). Collection method: clinical testing. Allele origin: germline.
Comment: A different missense substitution at this codon (p.Arg904His) has been determined to be pathogenic (PMID: 21750094, 22464770, 25448463). This suggests that the arginine residue is critical for MYH7 protein function and that other missense substitutions at this position may also be pathogenic. This variant is found within a region of MYH7 between codons 181 and 937 that contains the majority of the myosin head domain. Missense variants in this region have been shown to be significantly overrepresented in individuals with hypertrophic cardiomyopathy (PMID: 27532257). This variant has been observed in individual(s) with hypertrophic cardiomyopathy (Invitae). In at least one individual the variant was observed to be de novo. This variant is not present in population databases (ExAC no frequency). This sequence change replaces arginine with proline at codon 904 of the MYH7 protein (p.Arg904Pro). The arginine residue is highly conserved and there is a moderate physicochemical difference between arginine and proline. For these reasons, this variant has been classified as Pathogenic. A computational algorithm designed to assess the pathogenicity of variants in MYH7 with regard to hypertrophic cardiomyopathy predicted this sequence change to be deleterious. The algorithm has a sensitivity of 94% and a specificity of 89% (PMID: 21310275).

Ambry Genetics
Classification: Likely pathogenic for Cardiovascular phenotype. Last evaluated: 2018-07-09. Review status: criteria provided, single submitter. Criteria: Ambry Variant Classification Scheme 2023. Collection method: clinical testing. Allele origin: germline.
Comment: The p.R904P variant (also known as c.2711G>C), located in coding exon 21 of the MYH7 gene, results from a G to C substitution at nucleotide position 2711. The arginine at codon 904 is replaced by proline, an amino acid with dissimilar properties. Alternate amino acid substitutions at this position, p.R904C and p.R409H, have been reported in individuals and families with dilated cardiomyopathy (van der Zwaag PA et al. Clin. Genet., 2011 May;79:459-67; Waldm&uuml;ller S et al. Eur. J. Heart Fail., 2011 Nov;13:1185-92). Internal structural analysis has also determined this position to be a hotspot location. This amino acid position is highly conserved in available vertebrate species. In addition, this alteration is predicted to be deleterious by in silico analysis. Based on the majority of available evidence to date, this variant is likely to be pathogenic.

Literature cited by the submitters: PubMed 21750094 (cited by Labcorp Genetics (formerly Invitae), Labcorp and Ambry Genetics); PubMed 22464770 (cited by Labcorp Genetics (formerly Invitae), Labcorp); PubMed 25448463 (cited by Labcorp Genetics (formerly Invitae), Labcorp); PubMed 27532257 (cited by Labcorp Genetics (formerly Invitae), Labcorp); PubMed 21310275 (cited by Labcorp Genetics (formerly Invitae), Labcorp); PubMed 20573160 (cited by Ambry Genetics).